The following is an entry in ClinVar:

NM_005677.4(COLQ):c.1298+190G>A

Gene: COLQ (collagen like tail subunit of asymmetric acetylcholinesterase; minus strand). Cytogenetic location: 3p25.1.
Variant type: single nucleotide variant.
Coding change: c.1298+190G>A on transcript NM_005677.4 (MANE Select); 190 bases into the intron after coding-DNA position 1298, G replaced by A.
Molecular consequence: intron variant.
Genome position (GRCh38, 1-based): chr3:15,453,639, C>T on the plus strand (G>A on the coding strand, the complement: COLQ is on the minus strand). VCF-style: chr3-15453639-C-T. GRCh37 (hg19) VCF-style: chr3-15495146-C-T.
Other names: c.1196+190G>A (NM_080539.4); c.1268+190G>A (NM_080538.2).
Identifiers: ClinVar variation 1703373 (VCV001703373.2), dbSNP rs150553139, ClinGen allele CA70600254.

ClinVar aggregate classification (germline): Likely benign (1 of 4 stars; one submission).

Allele frequency attached by ClinVar (database versions not stated): 1000 Genomes Project 0.00260; 1000 Genomes Project 30x 0.00265.
gnomAD v4.1: 390 of 152,278 alleles (0.26%); highest among the groups gnomAD compares: African/African-American, 0.91%; 2 homozygotes.

Submission:

GeneDx
Classification: Likely benign. Last evaluated: 2022-02-25. Review status: criteria provided, single submitter. Criteria: GeneDx Variant Classification Process June 2021. Collection method: clinical testing. Allele origin: germline. Affected: yes.
Comment: See Variant Classification Assertion Criteria.